The following is an entry in ClinVar:

NM_001032283.3(TMPO):c.565+1018C>G

Gene: TMPO (thymopoietin; plus strand). Cytogenetic location: 12q23.1.
Variant type: single nucleotide variant.
Coding change: c.565+1018C>G on transcript NM_001032283.3 (MANE Select); 1018 bases into the intron after coding-DNA position 565, C replaced by G.
Molecular consequence: intron variant. On other transcripts: missense variant (1).
Genome position (GRCh38, 1-based): chr12:98,532,856, C>G. VCF-style: chr12-98532856-C-G. GRCh37 (hg19) VCF-style: chr12-98926634-C-G.
Other names: c.599C>G, p.Thr200Ser (NM_003276.2); c.565+1018C>G (NM_001307975.2, NM_001032284.3); short protein forms T200S.
Identifiers: ClinVar variation 2868038 (VCV002868038.3), dbSNP rs1402477287, ClinGen allele CA386151417.

ClinVar aggregate classification (germline): Uncertain significance (1 of 4 stars; one submission).

Conditions:
Loeys-Dietz syndrome 2 (LDS2). Also called: TGFBR2-Related Loeys-Dietz Syndrome; Marfan syndrome, type 2 (formerly); AORTIC ANEURYSM, FAMILIAL THORACIC 3; MARFAN SYNDROME, TYPE II; Marfan Syndrome type 2; Marfan like connective tissue disorder. Identifiers: Orphanet 284973, Orphanet 558, MedGen C2674574, MONDO:0012427, OMIM 610168.

Submission:

Labcorp Genetics (formerly Invitae), Labcorp
Classification: Uncertain significance for Loeys-Dietz syndrome 2. Last evaluated: 2023-11-28. Review status: criteria provided, single submitter. Criteria: Invitae Variant Classification Sherloc (09022015). Collection method: clinical testing. Allele origin: germline.
Comment: This sequence change replaces threonine, which is neutral and polar, with serine, which is neutral and polar, at codon 200 of the TMPO protein (p.Thr200Ser). This variant is not present in population databases (gnomAD no frequency). This variant has not been reported in the literature in individuals affected with TMPO-related conditions. Advanced modeling of protein sequence and biophysical properties (such as structural, functional, and spatial information, amino acid conservation, physicochemical variation, residue mobility, and thermodynamic stability) performed at Invitae indicates that this missense variant is not expected to disrupt TMPO protein function with a negative predictive value of 80%. In summary, the available evidence is currently insufficient to determine the role of this variant in disease. Therefore, it has been classified as a Variant of Uncertain Significance.